The following is an entry in ClinVar:

ClinVar aggregate classification (germline): Pathogenic/Likely pathogenic. Review status: criteria provided, multiple submitters, no conflicts (2 of 4 stars). 9 submissions from 9 submitters: Pathogenic (6); Likely pathogenic (1). 2 of the submissions do not count toward it. Last evaluated 2024-11-11.

Conditions:
Hyaline fibromatosis syndrome (HFS). Also called: Hyalinosis, Inherited Systemic; HYALINOSIS, SYSTEMIC. Identifiers: Orphanet 2028, Orphanet 498474, MedGen C5574677, MONDO:0009229, OMIM 228600.

Allele frequency attached by ClinVar (database versions not stated): gnomAD exomes below 0.00001.
gnomAD v4.1: 1 of 1,605,168 alleles (0.000062%); highest among the groups gnomAD compares: Middle Eastern, 0.017%; no homozygotes.

Submissions (9):

3billion
Classification: Pathogenic for Hyaline fibromatosis syndrome. Last evaluated: 2024-11-11. Review status: criteria provided, single submitter. Criteria: ACMG Guidelines, 2015. Collection method: clinical testing. Allele origin: germline. Affected: yes.
Comment: The variant is observed at an extremely low frequency in the gnomAD v4.1.0 dataset (total allele frequency: <0.001%). Predicted Consequence/Location: Missense variant Functional studies provide supporting evidence of the variant having a damaging effect on the gene or gene product (PMID: 19191226). In silico tool predictions suggest damaging effect of the variant on gene or gene product [REVEL: 0.92 (>=0.6, sensitivity 0.68 and specificity 0.92)]. The same nucleotide change resulting in the same amino acid change has been previously reported as pathogenic/likely pathogenic with strong evidence (ClinVar ID: VCV000280129 /PMID: 14508707 /3billion dataset). A different missense change at the same codon (p.Leu45Arg) has been reported to be associated with ANTXR2 related disorder (ClinVar ID: VCV000383749). Therefore, this variant is classified as Pathogenic according to the recommendation of ACMG/AMP guideline.

Dubai Health Genomic Medicine Center, Dubai Health
Classification: Pathogenic for Hyaline fibromatosis syndrome. Last evaluated: 2024-10-04. Review status: criteria provided, single submitter. Criteria: ACMG Guidelines, 2015. Collection method: research. Allele origin: germline. Affected: yes.
Comment: PS3,PM3(very strong),PM2,PP3,PM5

Genomic Medicine Center of Excellence, King Faisal Specialist Hospital and Research Centre
Classification: Likely pathogenic for Hyaline fibromatosis syndrome. Last evaluated: 2024-03-17. Review status: criteria provided, single submitter. Criteria: ACMG Guidelines, 2015. Collection method: research. Allele origin: germline.

Revvity Omics, Revvity
Classification: Pathogenic for Hyaline fibromatosis syndrome. Last evaluated: 2022-05-23. Review status: criteria provided, single submitter. Criteria: ACMG Guidelines, 2015. Collection method: clinical testing. Allele origin: germline.

Baylor Genetics
Classification: Pathogenic for Hyaline fibromatosis syndrome. Last evaluated: 2020-06-03. Review status: criteria provided, single submitter. Criteria: ACMG Guidelines, 2015. Collection method: clinical testing. Allele origin: unknown. Affected: yes.
Comment: This variant was determined to be pathogenic according to ACMG Guidelines, 2015 [PMID:25741868].

GeneDx
Classification: Pathogenic. Last evaluated: 2019-04-03. Review status: criteria provided, single submitter. Criteria: GeneDx Variant Classification Process June 2021. Collection method: clinical testing. Allele origin: germline. Affected: yes.
Comment: Published functional studies demonstrate that L45P leads to abnormal localization of protein in the cell and improper folding of the von Willebrand factor domain (Deuquet et al., 2009); Not observed in large population cohorts (Lek et al., 2016); In silico analysis, which includes protein predictors and evolutionary conservation, supports a deleterious effect; This variant is associated with the following publications: (PMID: 25458638, 14508707, 19191226, 29801470, 29620724, 31130284)

Pathology and Clinical Laboratory Medicine, King Fahad Medical City
Classification: Pathogenic for Hyaline fibromatosis syndrome. Review status: criteria provided, single submitter. Criteria: ACMG Guidelines, 2015. Collection method: clinical testing. Allele origin: germline. Affected: yes. Observed: 2 variant alleles.

Clinical Laboratory Sciences Program (CLSP), King Saud bin Abdulaziz University for Health Sciences (KSAU-HS)
Classification: Pathogenic for Hyaline fibromatosis syndrome. Last evaluated: 2023-04-01. Review status: no assertion criteria provided. Collection method: clinical testing. Allele origin: germline. Affected: yes. Not counted in ClinVar's aggregate classification.

Biochemical Molecular Genetic Laboratory, King Abdulaziz Medical City
Classification: Likely pathogenic for Hyaline fibromatosis syndrome. Last evaluated: 2020-11-12. Review status: no assertion criteria provided. Collection method: clinical testing. Allele origin: germline. Affected: yes. Not counted in ClinVar's aggregate classification.

Literature cited by the submitters: PubMed 14508707 (cited by 3billion); PubMed 19191226 (cited by 3billion).

NM_058172.6(ANTXR2):c.134T>C (p.Leu45Pro)

Gene: ANTXR2 (ANTXR cell adhesion molecule 2; minus strand). Cytogenetic location: 4q21.21.
Variant type: single nucleotide variant.
Coding change: c.134T>C on transcript NM_058172.6 (MANE Select); coding-DNA position 134, T replaced by C.
Protein change: p.Leu45Pro; replaces leucine 45 with proline.
Molecular consequence: missense variant. On other transcripts: intron variant (2).
Genome position (GRCh38, 1-based): chr4:80,072,427, A>G on the plus strand (T>C on the coding strand, the complement: ANTXR2 is on the minus strand). VCF-style: chr4-80072427-A-G. GRCh37 (hg19) VCF-style: chr4-80993581-A-G.
Other names: c.134T>C, p.Leu45Pro (NM_001145794.2); c.-79-773T>C (NM_001286780.2); c.-80+282T>C (NM_001286781.2); short protein forms L45P.
Identifiers: ClinVar variation 280129 (VCV000280129.29), dbSNP rs886041401, ClinGen allele CA10602936.